The following is an entry in ClinVar:

ClinVar aggregate classification (germline): Pathogenic. Review status: criteria provided, multiple submitters, no conflicts (2 of 4 stars). 3 submissions from 3 submitters: Pathogenic (2). 1 of the submissions does not count toward it. Last evaluated 2025-02-13.

Conditions:
Methylmalonic aciduria, cblB type (MACB). Also called: Vitamin B12-responsive methylmalonic acidemia type cblB; Methylmalonic acidemia cblB type; METHYLMALONIC ACIDURIA, VITAMIN B12-RESPONSIVE, DUE TO DEFECT IN SYNTHESIS OF ADENOSYLCOBALAMIN, cblB TYPE. Identifiers: Orphanet 28, Orphanet 79311, MedGen C1855102, MONDO:0009614, OMIM 251110.

Submissions (3):

Myriad Genetics, Inc.
Classification: Pathogenic for Methylmalonic aciduria, cblB type. Last evaluated: 2025-02-13. Review status: criteria provided, single submitter. Criteria: Myriad Autosomal Dominant, Autosomal Recessive and X-Linked Classification Criteria (2023). Collection method: clinical testing. Allele origin: unknown.
Comment: NM_052845.3(MMAB):c.656_659delATCT(Y219Sfs*4) is a frameshift variant classified as pathogenic in the context of methylmalonic acidemia, cblB type. Y219Sfs*4 has been observed in cases with relevant disease (PMID: 16410054, 34796408). Relevant functional assessments of this variant are not available in the literature. Y219Sfs*4 has not been observed in referenced population frequency databases. In summary, NM_052845.3(MMAB):c.656_659delATCT(Y219Sfs*4) is a frameshift variant in a gene where loss of function is a known mechanism of disease, is predicted to disrupt protein function, and has been observed more frequently in cases with the relevant disease than in healthy populations. Please note: this variant was assessed in the context of healthy population screening.

Labcorp Genetics (formerly Invitae), Labcorp
Classification: Pathogenic for Methylmalonic aciduria, cblB type. Last evaluated: 2022-11-04. Review status: criteria provided, single submitter. Criteria: Invitae Variant Classification Sherloc (09022015). Collection method: clinical testing. Allele origin: germline.
Comment: For these reasons, this variant has been classified as Pathogenic. This variant disrupts a region of the MMAB protein in which other variant(s) (p.Gln234*) have been determined to be pathogenic (PMID: 16410054). This suggests that this is a clinically significant region of the protein, and that variants that disrupt it are likely to be disease-causing. ClinVar contains an entry for this variant (Variation ID: 1174002). This premature translational stop signal has been observed in individuals with cobalamin B deficiency (PMID: 16410054, 34796408). This variant is not present in population databases (gnomAD no frequency). This sequence change creates a premature translational stop signal (p.Tyr219Serfs*4) in the MMAB gene. While this is not anticipated to result in nonsense mediated decay, it is expected to disrupt the last 32 amino acid(s) of the MMAB protein.

Baumgartner lab, University Children's Hospital Zurich
Classification: Pathogenic for Methylmalonic aciduria, cblB type. Last evaluated: 2021-06-01. Review status: no assertion criteria provided. Collection method: clinical testing. Allele origin: germline. Affected: yes. Not counted in ClinVar's aggregate classification.

Literature cited by the submitters: PubMed 16410054 (cited by Myriad Genetics, Inc. and Labcorp Genetics (formerly Invitae), Labcorp); PubMed 34796408 (cited by 3 submitters).

NM_052845.4(MMAB):c.656_659del (p.Tyr219fs)

Gene: MMAB (metabolism of cobalamin associated B; minus strand). Cytogenetic location: 12q24.11.
Variant type: Deletion.
Coding change: c.656_659del on transcript NM_052845.4 (MANE Select); coding-DNA positions 656 to 659, 4 bases deleted (ATCT; older notation c.656_659delATCT).
Protein change: p.Tyr219fs; shifts the reading frame from tyrosine 219.
Molecular consequence: frameshift variant. On other transcripts: non-coding transcript variant (1).
Genome position (GRCh38, 1-based): chr12:109,557,122-109,557,125, AGAT deleted on the plus strand (ATCT on the coding strand, the reverse complement: MMAB is on the minus strand); deleting any 4 consecutive bases within chr12:109,557,122-109,557,127 gives the same sequence; the c. name uses the placement nearest the transcript's 3' end. VCF-style (leftmost placement, unchanged base first): chr12-109557121-GAGAT-G. GRCh37 (hg19) VCF-style: chr12-109994926-GAGAT-G.
Other names: short protein forms Y219fs.
Identifiers: ClinVar variation 1174002 (VCV001174002.6), dbSNP rs2136192590, ClinGen allele CA2499221414.
Genomic context (GRCh38, chr12:109,557,121, plus strand): 5'-TTTCATGTATATTTTCTCTTGATTCCCCTCCTTCATGGCTGCATATCTGGCTAGCGTGAA[GAGAT>G]AGTCACTGAGTCTGGAGGGGCAGAGAGAGAGAAGCAAACAGAATGGTTTGAAATGAGAGA-3'